The following is an entry in ClinVar:

NM_001077365.2(POMT1):c.1937C>T (p.Pro646Leu)

Gene: POMT1 (protein O-mannosyltransferase 1; plus strand). Cytogenetic location: 9q34.13.
Variant type: single nucleotide variant.
Coding change: c.1937C>T on transcript NM_001077365.2 (MANE Select); coding-DNA position 1937, C replaced by T.
Protein change: p.Pro646Leu; replaces proline 646 with leucine.
Molecular consequence: missense variant. On other transcripts: non-coding transcript variant (10).
Genome position (GRCh38, 1-based): chr9:131,522,158, C>T. VCF-style: chr9-131522158-C-T. GRCh37 (hg19) VCF-style: chr9-134397545-C-T.
Other names: c.1775C>T, p.Pro592Leu (NM_001077366.2, NM_001353194.2); c.1937C>T, p.Pro646Leu (NM_001136113.2); c.1586C>T, p.Pro529Leu (NM_001136114.2, NM_001353195.2, NM_001374691.1 and 2 more transcripts); c.2003C>T, p.Pro668Leu (NM_001353193.2, NM_007171.4); c.1847C>T, p.Pro616Leu (NM_001353196.2); c.1841C>T, p.Pro614Leu (NM_001353197.2, NM_001353198.2); c.1652C>T, p.Pro551Leu (NM_001353199.2); c.1481C>T, p.Pro494Leu (NM_001353200.2); and 3 more; short protein forms P551L, P614L, P494L, P616L, P668L, P529L, P573L, P642L.
Identifiers: ClinVar variation 1438796 (VCV001438796.8), dbSNP rs2131922893, ClinGen allele CA375314523.

ClinVar aggregate classification (germline): Uncertain significance (1 of 4 stars; one submission).

Conditions:
Walker-Warburg congenital muscular dystrophy. Also called: Muscular dystrophy-dystroglycanopathy, type A; Walker-Warburg syndrome. Identifiers: Orphanet 899, MedGen C0265221, MONDO:0000171.
Autosomal recessive limb-girdle muscular dystrophy type 2K. Also called: MUSCULAR DYSTROPHY-DYSTROGLYCANOPATHY (LIMB-GIRDLE), TYPE C, 1; MUSCULAR DYSTROPHY, LIMB-GIRDLE, TYPE 2K. Identifiers: Orphanet 86812, MedGen C1836373, MONDO:0012248, OMIM 609308.
Muscular dystrophy-dystroglycanopathy (congenital with impaired intellectual development), type B, 1. Also called: Muscular dystrophy-dystroglycanopathy (congenital with intellectual disability), type B1; MUSCULAR DYSTROPHY, CONGENITAL, POMT1-RELATED. Identifiers: MedGen C5436962, MONDO:0013159, OMIM 613155.

Submission:

Labcorp Genetics (formerly Invitae), Labcorp
Classification: Uncertain significance for Muscular dystrophy-dystroglycanopathy (congenital with impaired intellectual development), type B, 1; Walker-Warburg congenital muscular dystrophy; Autosomal recessive limb-girdle muscular dystrophy type 2K. Last evaluated: 2024-08-13. Review status: criteria provided, single submitter. Criteria: Invitae Variant Classification Sherloc (09022015). Collection method: clinical testing. Allele origin: germline.
Comment: This sequence change replaces proline, which is neutral and non-polar, with leucine, which is neutral and non-polar, at codon 668 of the POMT1 protein (p.Pro668Leu). This variant is not present in population databases (gnomAD no frequency). This variant has not been reported in the literature in individuals affected with POMT1-related conditions. ClinVar contains an entry for this variant (Variation ID: 1438796). Advanced modeling of protein sequence and biophysical properties (such as structural, functional, and spatial information, amino acid conservation, physicochemical variation, residue mobility, and thermodynamic stability) has been performed at Invitae for this missense variant, however the output from this modeling did not meet the statistical confidence thresholds required to predict the impact of this variant on POMT1 protein function. In summary, the available evidence is currently insufficient to determine the role of this variant in disease. Therefore, it has been classified as a Variant of Uncertain Significance.